The following is an entry in ClinVar:

ClinVar aggregate classification (germline): Likely benign. Review status: criteria provided, multiple submitters, no conflicts (2 of 4 stars). 3 submissions from 3 submitters: Likely benign (2). 1 of the submissions does not count toward it. Last evaluated 2026-04-01.

Conditions:
SLC36A2-related disorder. Also called: SLC36A2-related condition.

Allele frequency attached by ClinVar (database versions not stated): 1000 Genomes Project 0.00080; 1000 Genomes Project 30x 0.00094; ExAC 0.00423; TOPMed 0.00475; gnomAD exomes 0.00476 and 0.00604; gnomAD 0.00490 and 0.00506; ESP Exome Variant Server 0.00538.
gnomAD v4.1: 9,571 of 1,614,188 alleles (0.59%); highest among the groups gnomAD compares: Non-Finnish European, 0.68%; 60 homozygotes.

Submissions (3):

CeGaT Center for Human Genetics Tuebingen
Classification: Likely benign. Last evaluated: 2026-04-01. Review status: criteria provided, single submitter. Criteria: CeGaT Center For Human Genetics Tuebingen Variant Classification Criteria Version 2. Collection method: clinical testing. Allele origin: germline. Affected: yes. Observed: 1 variant allele.
Comment: SLC36A2: BP4, BS2

Labcorp Genetics (formerly Invitae), Labcorp
Classification: Likely benign. Last evaluated: 2026-01-26. Review status: criteria provided, single submitter. Criteria: Invitae Variant Classification Sherloc (09022015). Collection method: clinical testing. Allele origin: germline.

PreventionGenetics, part of Exact Sciences
Classification: Benign for SLC36A2-related condition. Last evaluated: 2019-08-28. Review status: no assertion criteria provided. Collection method: clinical testing. Allele origin: germline. Not counted in ClinVar's aggregate classification.
Comment: This variant is classified as benign based on ACMG/AMP sequence variant interpretation guidelines (Richards et al. 2015 PMID: 25741868, with internal and published modifications).

NM_181776.3(SLC36A2):c.911C>T (p.Ser304Phe)

Gene: SLC36A2 (solute carrier family 36 member 2; minus strand). Cytogenetic location: 5q33.1.
Variant type: single nucleotide variant.
Coding change: c.911C>T on transcript NM_181776.3 (MANE Select); coding-DNA position 911, C replaced by T.
Protein change: p.Ser304Phe; replaces serine 304 with phenylalanine.
Molecular consequence: missense variant.
Genome position (GRCh38, 1-based): chr5:151,325,385, G>A on the plus strand (C>T on the coding strand, the complement: SLC36A2 is on the minus strand). VCF-style: chr5-151325385-G-A. GRCh37 (hg19) VCF-style: chr5-150704946-G-A.
Other names: short protein forms S304F.
Identifiers: ClinVar variation 771711 (VCV000771711.13), dbSNP rs142783014, ClinGen allele CA3518702.